The following is an entry in ClinVar:

ClinVar aggregate classification (germline): Pathogenic (1 of 4 stars; one submission).

Conditions:
Alstrom syndrome (ALMS). Identifiers: Orphanet 64, MedGen C0268425, MONDO:0008763, OMIM 203800.

Submission:

Labcorp Genetics (formerly Invitae), Labcorp
Classification: Pathogenic for Alstrom syndrome. Last evaluated: 2022-06-10. Review status: criteria provided, single submitter. Criteria: Invitae Variant Classification Sherloc (09022015). Collection method: clinical testing. Allele origin: germline.
Comment: This variant has not been reported in the literature in individuals affected with ALMS1-related conditions. For these reasons, this variant has been classified as Pathogenic. This variant is present in population databases (no rsID available, gnomAD 0.003%). This sequence change creates a premature translational stop signal (p.Ser3696Alafs*27) in the ALMS1 gene. It is expected to result in an absent or disrupted protein product. Loss-of-function variants in ALMS1 are known to be pathogenic (PMID: 17594715).

Literature cited by the submitters: PubMed 17594715.

NM_001378454.1(ALMS1):c.11076del (p.Ser3695fs)

Gene: ALMS1 (ALMS1 centrosome and basal body associated protein; plus strand). Cytogenetic location: 2p13.1.
Variant type: Deletion.
Coding change: c.11076del on transcript NM_001378454.1 (MANE Select); coding-DNA position 11076, one base deleted (T; older notation c.11076delT).
Protein change: p.Ser3695fs; shifts the reading frame from serine 3695.
Molecular consequence: frameshift variant.
Genome position (GRCh38, 1-based): chr2:73,572,953, T deleted; the last of 2 consecutive T bases (chr2:73,572,952-73,572,953); deleting either gives the same sequence. VCF-style (leftmost placement, unchanged base first): chr2-73572951-CT-C. GRCh37 (hg19) VCF-style: chr2-73800078-CT-C.
Other names: c.11079del, p.Ser3696fs (NM_015120.4); short protein forms S3695fs, S3696fs.
Identifiers: ClinVar variation 2004605 (VCV002004605.4), dbSNP rs1170410040, ClinGen allele CA534123633.
Genomic context (GRCh38, chr2:73,572,951, plus strand): 5'-AAGCTTCAGAAAAAGAAGCGGTTTAAAAGCCTAGAGAAAAGCCATAAAAATACAGGCGAG[CT>C]TAAAAAAAGCAAGGTGCTTTCTCATCATCGAGCTGGGAGGTCTAATCAAATTAAAATTGA-3'